The following is an entry in ClinVar:

NM_018671.5(UNC45A):c.2554C>T (p.Leu852Phe)

Genes: RCCD1-AS1 (RCCD1 and UNC45A antisense RNA 1; minus strand), UNC45A (unc-45 myosin chaperone A; plus strand). Cytogenetic location: 15q26.1.
Variant type: single nucleotide variant.
Coding change: c.2554C>T on transcript NM_018671.5 (MANE Select); coding-DNA position 2554, C replaced by T.
Protein change: p.Leu852Phe; replaces leucine 852 with phenylalanine.
Molecular consequence: missense variant.
Genome position (GRCh38, 1-based): chr15:90,953,287, C>T. VCF-style: chr15-90953287-C-T. GRCh37 (hg19) VCF-style: chr15-91496517-C-T.
Other names: p.Leu852Phe; c.2509C>T, p.Leu837Phe (NM_001039675.2, NM_001323621.2); c.2554C>T, p.Leu852Phe (NM_001323619.1); c.2119C>T, p.Leu707Phe (NM_001323620.2); c.2554C>T (NM_018671.3); short protein forms L707F, L837F, L852F.
Identifiers: ClinVar variation 1425405 (VCV001425405.7), dbSNP rs377033536, ClinGen allele CA7743332.

ClinVar aggregate classification (germline): Uncertain significance. Review status: criteria provided, multiple submitters, no conflicts (2 of 4 stars). 3 submissions from 3 submitters: Uncertain significance (3). Last evaluated 2025-11-16.

Conditions:
Inborn genetic diseases. Identifiers: MedGen C0950123, MeSH D030342.

Allele frequency attached by ClinVar (database versions not stated): TOPMed 0.00005; ESP Exome Variant Server 0.00008.
gnomAD v4.1: 56 of 1,610,960 alleles (0.0035%); highest among the groups gnomAD compares: Non-Finnish European, 0.0047%; no homozygotes.

Submissions (3):

Labcorp Genetics (formerly Invitae), Labcorp
Classification: Uncertain significance. Last evaluated: 2025-11-16. Review status: criteria provided, single submitter. Criteria: Invitae Variant Classification Sherloc (09022015). Collection method: clinical testing. Allele origin: germline.
Comment: This sequence change replaces leucine, which is neutral and non-polar, with phenylalanine, which is neutral and non-polar, at codon 852 of the UNC45A protein (p.Leu852Phe). This variant is present in population databases (rs377033536, gnomAD 0.007%). This variant has not been reported in the literature in individuals affected with UNC45A-related conditions. ClinVar contains an entry for this variant (Variation ID: 1425405). Invitae Evidence Modeling of protein sequence and biophysical properties (such as structural, functional, and spatial information, amino acid conservation, physicochemical variation, residue mobility, and thermodynamic stability) indicates that this missense variant is not expected to disrupt UNC45A protein function with a negative predictive value of 80%. In summary, the available evidence is currently insufficient to determine the role of this variant in disease. Therefore, it has been classified as a Variant of Uncertain Significance.

Ambry Genetics
Classification: Uncertain significance for Inborn genetic diseases. Last evaluated: 2025-06-25. Review status: criteria provided, single submitter. Criteria: Ambry Variant Classification Scheme 2023. Collection method: clinical testing. Allele origin: germline.

Mayo Clinic Laboratories, Mayo Clinic
Classification: Uncertain significance. Last evaluated: 2024-05-29. Review status: criteria provided, single submitter. Criteria: ACMG Guidelines, 2015. Collection method: clinical testing. Allele origin: germline. Observed: 1 variant allele.
Comment: BP4